The following is an entry in ClinVar:

ClinVar aggregate classification (germline): Uncertain significance (1 of 4 stars; one submission).

Allele frequency attached by ClinVar (database versions not stated): gnomAD exomes 0.00001.

Submission:

Labcorp Genetics (formerly Invitae), Labcorp
Classification: Uncertain significance. Last evaluated: 2022-09-27. Review status: criteria provided, single submitter. Criteria: Invitae Variant Classification Sherloc (09022015). Collection method: clinical testing. Allele origin: germline.
Comment: This sequence change replaces arginine, which is basic and polar, with tryptophan, which is neutral and slightly polar, at codon 104 of the CLP1 protein (p.Arg104Trp). This variant is not present in population databases (gnomAD no frequency). This variant has not been reported in the literature in individuals affected with CLP1-related conditions. Advanced modeling of protein sequence and biophysical properties (such as structural, functional, and spatial information, amino acid conservation, physicochemical variation, residue mobility, and thermodynamic stability) performed at Invitae indicates that this missense variant is expected to disrupt CLP1 protein function. In summary, the available evidence is currently insufficient to determine the role of this variant in disease. Therefore, it has been classified as a Variant of Uncertain Significance.

NM_006831.3(CLP1):c.310C>T (p.Arg104Trp)

Gene: CLP1 (cleavage factor polyribonucleotide kinase subunit 1; plus strand). Cytogenetic location: 11q12.1.
Variant type: single nucleotide variant.
Coding change: c.310C>T on transcript NM_006831.3 (MANE Select); coding-DNA position 310, C replaced by T.
Protein change: p.Arg104Trp; replaces arginine 104 with tryptophan.
Molecular consequence: missense variant.
Genome position (GRCh38, 1-based): chr11:57,659,786, C>T. VCF-style: chr11-57659786-C-T. GRCh37 (hg19) VCF-style: chr11-57427258-C-T.
Other names: c.310C>T, p.Arg104Trp (NM_001142597.2); short protein forms R104W.
Identifiers: ClinVar variation 2063876 (VCV002063876.3), dbSNP rs994445804, ClinGen allele CA223048112.